The following is an entry in ClinVar:

ClinVar aggregate classification (germline): Uncertain significance (1 of 4 stars; one submission).

gnomAD v4.1: 4 of 1,614,194 alleles (0.00025%); highest among the groups gnomAD compares: Non-Finnish European, 0.00034%; no homozygotes.

Submission:

GeneDx
Classification: Uncertain significance. Last evaluated: 2025-04-03. Review status: criteria provided, single submitter. Criteria: GeneDx Variant Classification Process June 2021. Collection method: clinical testing. Allele origin: germline. Affected: yes.
Comment: Not observed at significant frequency in large population cohorts (gnomAD); In silico analysis indicates that this missense variant does not alter protein structure/function; Has not been previously published as pathogenic or benign to our knowledge

NM_003235.5(TG):c.856G>A (p.Ala286Thr)

Gene: TG (thyroglobulin; plus strand). Cytogenetic location: 8q24.22.
Variant type: single nucleotide variant.
Coding change: c.856G>A on transcript NM_003235.5 (MANE Select); coding-DNA position 856, G replaced by A.
Protein change: p.Ala286Thr; replaces alanine 286 with threonine.
Molecular consequence: missense variant.
Genome position (GRCh38, 1-based): chr8:132,882,579, G>A. VCF-style: chr8-132882579-G-A. GRCh37 (hg19) VCF-style: chr8-133894824-G-A.
Other names: short protein forms A286T.
Identifiers: ClinVar variation 4278522 (VCV004278522.1).
Genomic context (GRCh38, chr8:132,882,579, plus strand): 5'-GACCTTCCTTCCACCTTCACTGAAACCACCCTGTACCGGATACTGCAGAGACGGTTCCTC[G>A]CAGTTCAATCAGTCATCTCTGGCAGATTCCGATGTAAGTAATAAACTGCCAACAATGTGC-3'
Protein context (NP_003226.4, residues 276-296): LYRILQRRFL[Ala286Thr]VQSVISGRFR